The following is an entry in ClinVar:

NM_015662.3(IFT172):c.4489G>A (p.Ala1497Thr)

Gene: IFT172 (intraflagellar transport 172; minus strand). Cytogenetic location: 2p23.3.
Variant type: single nucleotide variant.
Coding change: c.4489G>A on transcript NM_015662.3 (MANE Select); coding-DNA position 4489, G replaced by A.
Protein change: p.Ala1497Thr; replaces alanine 1497 with threonine.
Molecular consequence: missense variant.
Genome position (GRCh38, 1-based): chr2:27,447,862, C>T on the plus strand (G>A on the coding strand, the complement: IFT172 is on the minus strand). VCF-style: chr2-27447862-C-T. GRCh37 (hg19) VCF-style: chr2-27670729-C-T.
Other names: c.4489G>A (NM_015662.2, NM_015662.1); short protein forms A1497T.
Identifiers: ClinVar variation 1490941 (VCV001490941.7), dbSNP rs759653536, ClinGen allele CA1579594.

ClinVar aggregate classification (germline): Uncertain significance. Review status: criteria provided, multiple submitters, no conflicts (2 of 4 stars). 3 submissions from 3 submitters: Uncertain significance (2). 1 of the submissions does not count toward it. Last evaluated 2024-12-04.

Conditions:
Retinitis pigmentosa 71 (RP71). Identifiers: Orphanet 791, MedGen C4225342, MONDO:0014618, OMIM 616394.
Short-rib thoracic dysplasia 10 with or without polydactyly (SRTD10). Identifiers: Orphanet 474, MedGen C3810175, MONDO:0014284, OMIM 615630.
IFT172-related disorder. Also called: IFT172-related disorders; IFT172-related condition.
Inborn genetic diseases. Identifiers: MedGen C0950123, MeSH D030342.

Allele frequency attached by ClinVar (database versions not stated): gnomAD exomes below 0.00001; ExAC 0.00001; TOPMed 0.00001; gnomAD 0.00002.
gnomAD v4.1: 8 of 1,613,932 alleles (0.0005%); highest among the groups gnomAD compares: Non-Finnish European, 0.00068%; no homozygotes.

Submissions (3):

Ambry Genetics
Classification: Uncertain significance for Inborn genetic diseases. Last evaluated: 2024-12-04. Review status: criteria provided, single submitter. Criteria: Ambry Variant Classification Scheme 2023. Collection method: clinical testing. Allele origin: germline.

Labcorp Genetics (formerly Invitae), Labcorp
Classification: Uncertain significance for Retinitis pigmentosa 71; Short-rib thoracic dysplasia 10 with or without polydactyly. Last evaluated: 2021-08-24. Review status: criteria provided, single submitter. Criteria: Invitae Variant Classification Sherloc (09022015). Collection method: clinical testing. Allele origin: germline.
Comment: This sequence change replaces alanine with threonine at codon 1497 of the IFT172 protein (p.Ala1497Thr). The alanine residue is moderately conserved and there is a small physicochemical difference between alanine and threonine. This variant is present in population databases (rs759653536, ExAC 0.001%). This variant has not been reported in the literature in individuals affected with IFT172-related conditions. Algorithms developed to predict the effect of missense changes on protein structure and function (SIFT, PolyPhen-2, Align-GVGD) all suggest that this variant is likely to be tolerated. In summary, the available evidence is currently insufficient to determine the role of this variant in disease. Therefore, it has been classified as a Variant of Uncertain Significance.

PreventionGenetics, part of Exact Sciences
Classification: Uncertain significance for IFT172-related condition. Last evaluated: 2023-11-16. Review status: no assertion criteria provided. Collection method: clinical testing. Allele origin: germline. Not counted in ClinVar's aggregate classification.
Comment: The IFT172 c.4489G>A variant is predicted to result in the amino acid substitution p.Ala1497Thr. To our knowledge, this variant has not been reported in the literature. This variant is reported in 0.00088% of alleles in individuals of European (Non-Finnish) descent in gnomAD. At this time, the clinical significance of this variant is uncertain due to the absence of conclusive functional and genetic evidence.